The following is an entry in ClinVar:

NM_002299.4(LCT):c.1692_1696del (p.Val565fs)

Gene: LCT (lactase; minus strand). Cytogenetic location: 2q21.3.
Variant type: Deletion.
Coding change: c.1692_1696del on transcript NM_002299.4 (MANE Select); coding-DNA positions 1692 to 1696, 5 bases deleted (AGTGG; older notation c.1692_1696delAGTGG).
Protein change: p.Val565fs; shifts the reading frame from valine 565.
Molecular consequence: frameshift variant.
Genome position (GRCh38, 1-based): chr2:135,817,352-135,817,356, CCACT deleted on the plus strand (AGTGG on the coding strand, the reverse complement: LCT is on the minus strand); deleting any 5 consecutive bases within chr2:135,817,352-135,817,358 gives the same sequence; the c. name uses the placement nearest the transcript's 3' end. VCF-style (leftmost placement, unchanged base first): chr2-135817351-GCCACT-G. GRCh37 (hg19) VCF-style: chr2-136574921-GCCACT-G.
Other names: c.1692_1696del (LRG_338t1); short protein forms V565fs.
Identifiers: ClinVar variation 56387 (VCV000056387.3), dbSNP rs386833832, ClinGen allele CA144312.
Genomic context (GRCh38, chr2:135,817,351, plus strand): 5'-CCAATGTCCTTTCTCCTCCAATTAGTAGGAGCTGCAGGGTTGGGAAGTACCTTAAAAGAG[GCCACT>G]CCTGGGTCAGAGATGCCGGGAGGGTGCTGGCCGGTGCCATAGCCTGCGTAGCTCATCACC-3'

ClinVar aggregate classification (germline): Pathogenic. Review status: criteria provided, single submitter (1 of 4 stars). 2 submissions from 2 submitters: Pathogenic (1). 1 of the submissions does not count toward it. Last evaluated 2025-11-02.

Conditions:
Congenital lactase deficiency. Also called: ALACTASIA, CONGENITAL; DISACCHARIDE INTOLERANCE II. Identifiers: Orphanet 53690, MedGen C0268179, MONDO:0009115, OMIM 223000.

Submissions (2):

Labcorp Genetics (formerly Invitae), Labcorp
Classification: Pathogenic. Last evaluated: 2025-11-02. Review status: criteria provided, single submitter. Criteria: Invitae Variant Classification Sherloc (09022015). Collection method: clinical testing. Allele origin: germline.
Comment: This sequence change creates a premature translational stop signal (p.Val565Leufs*3) in the LCT gene. It is expected to result in an absent or disrupted protein product. Loss-of-function variants in LCT are known to be pathogenic (PMID: 16400612, 25881162). This variant is present in population databases (rs386833832, gnomAD 0.03%). This premature translational stop signal has been observed in individual(s) with congenital lactase deficiency (PMID: 19161632). ClinVar contains an entry for this variant (Variation ID: 56387). For these reasons, this variant has been classified as Pathogenic.

Juha Muilu Group; Institute for Molecular Medicine Finland (FIMM)
Classification: Likely pathogenic for Congenital lactase deficiency. Review status: no assertion criteria provided. Collection method: not provided. Allele origin: unknown. Not counted in ClinVar's aggregate classification.
Comment: FinDis database variant: This variant was not found or characterized by our laboratory, data were collected from public sources: see reference
ClinVar note: Converted during submission from probable-pathogenic to Likely pathogenic.

Literature cited by the submitters: PubMed 16400612 (cited by Labcorp Genetics (formerly Invitae), Labcorp); PubMed 25881162 (cited by Labcorp Genetics (formerly Invitae), Labcorp); PubMed 19161632 (cited by Labcorp Genetics (formerly Invitae), Labcorp).